The following is an entry in ClinVar:

NM_001371395.1(USP53):c.1001C>T (p.Ser334Phe)

Gene: USP53 (ubiquitin specific peptidase 53; plus strand). Cytogenetic location: 4q26.
Variant type: single nucleotide variant.
Coding change: c.1001C>T on transcript NM_001371395.1 (MANE Select); coding-DNA position 1001, C replaced by T.
Protein change: p.Ser334Phe; replaces serine 334 with phenylalanine.
Molecular consequence: missense variant.
Genome position (GRCh38, 1-based): chr4:119,267,348, C>T. VCF-style: chr4-119267348-C-T. GRCh37 (hg19) VCF-style: chr4-120188503-C-T.
Other names: c.1001C>T, p.Ser334Phe (NM_001371396.1, NM_001371397.1, NM_001371398.1 and 5 more transcripts); c.851C>T, p.Ser284Phe (NM_001389660.1); c.653C>T, p.Ser218Phe (NM_001389662.1, NM_001389663.1, NM_001389664.1 and 3 more transcripts); short protein forms S218F, S284F, S334F.
Identifiers: ClinVar variation 3467243 (VCV003467243.2).

ClinVar aggregate classification (germline): Uncertain significance. Review status: criteria provided, multiple submitters, no conflicts (2 of 4 stars). 2 submissions from 2 submitters: Uncertain significance (2). Last evaluated 2025-06-15.

Conditions:
Inborn genetic diseases. Identifiers: MedGen C0950123, MeSH D030342.

gnomAD v4.1: 25 of 1,613,712 alleles (0.0015%); highest among the groups gnomAD compares: Admixed American, 0.005%; no homozygotes.

Submissions (2):

Labcorp Genetics (formerly Invitae), Labcorp
Classification: Uncertain significance. Last evaluated: 2025-06-15. Review status: criteria provided, single submitter. Criteria: Invitae Variant Classification Sherloc (09022015). Collection method: clinical testing. Allele origin: germline.
Comment: This sequence change replaces serine, which is neutral and polar, with phenylalanine, which is neutral and non-polar, at codon 334 of the USP53 protein (p.Ser334Phe). This variant is present in population databases (rs368940037, gnomAD 0.01%). This variant has not been reported in the literature in individuals affected with USP53-related conditions. ClinVar contains an entry for this variant (Variation ID: 3467243). Invitae Evidence Modeling of protein sequence and biophysical properties (such as structural, functional, and spatial information, amino acid conservation, physicochemical variation, residue mobility, and thermodynamic stability) indicates that this missense variant is expected to disrupt USP53 protein function with a positive predictive value of 80%. In summary, the available evidence is currently insufficient to determine the role of this variant in disease. Therefore, it has been classified as a Variant of Uncertain Significance.

Ambry Genetics
Classification: Uncertain significance for Inborn genetic diseases. Last evaluated: 2024-12-06. Review status: criteria provided, single submitter. Criteria: Ambry Variant Classification Scheme 2023. Collection method: clinical testing. Allele origin: germline.